The following is an entry in ClinVar:

NM_033026.6(PCLO):c.845A>G (p.Gln282Arg)

Gene: PCLO (piccolo presynaptic cytomatrix protein; minus strand). Cytogenetic location: 7q21.11.
Variant type: single nucleotide variant.
Coding change: c.845A>G on transcript NM_033026.6 (MANE Select); coding-DNA position 845, A replaced by G.
Protein change: p.Gln282Arg; replaces glutamine 282 with arginine.
Molecular consequence: missense variant.
Genome position (GRCh38, 1-based): chr7:83,155,796, T>C on the plus strand (A>G on the coding strand, the complement: PCLO is on the minus strand). VCF-style: chr7-83155796-T-C. GRCh37 (hg19) VCF-style: chr7-82785112-T-C.
Other names: c.845A>G, p.Gln282Arg (NM_014510.3); short protein forms Q282R.
Identifiers: ClinVar variation 2008986 (VCV002008986.4), dbSNP rs2484904502, ClinGen allele CA367919063.

ClinVar aggregate classification (germline): Uncertain significance (1 of 4 stars; one submission).

Allele frequency attached by ClinVar (database versions not stated): gnomAD exomes below 0.00001.
gnomAD v4.1: 1 of 1,613,912 alleles (0.000062%); highest among the groups gnomAD compares: Non-Finnish European, 0.000085%; no homozygotes.

Submission:

Labcorp Genetics (formerly Invitae), Labcorp
Classification: Uncertain significance. Last evaluated: 2023-10-13. Review status: criteria provided, single submitter. Criteria: Invitae Variant Classification Sherloc (09022015). Collection method: clinical testing. Allele origin: germline.
Comment: This sequence change replaces glutamine, which is neutral and polar, with arginine, which is basic and polar, at codon 282 of the PCLO protein (p.Gln282Arg). This variant is not present in population databases (gnomAD no frequency). This variant has not been reported in the literature in individuals affected with PCLO-related conditions. ClinVar contains an entry for this variant (Variation ID: 2008986). Experimental studies and prediction algorithms are not available or were not evaluated, and the functional significance of this variant is currently unknown. In summary, the available evidence is currently insufficient to determine the role of this variant in disease. Therefore, it has been classified as a Variant of Uncertain Significance.